The following is an entry in ClinVar:

ClinVar aggregate classification (germline): Pathogenic (1 of 4 stars; one submission).

Submission:

CeGaT Center for Human Genetics Tuebingen
Classification: Pathogenic. Last evaluated: 2024-01-01. Review status: criteria provided, single submitter. Criteria: CeGaT Center For Human Genetics Tuebingen Variant Classification Criteria Version 2. Collection method: clinical testing. Allele origin: germline. Affected: yes. Observed: 1 variant allele.
Comment: ANKRD11: PVS1, PM2

NM_013275.6(ANKRD11):c.4349_4352del (p.Ser1450fs)

Gene: ANKRD11 (ankyrin repeat domain 11; minus strand). Cytogenetic location: 16q24.3.
Variant type: Deletion.
Coding change: c.4349_4352del on transcript NM_013275.6 (MANE Select); coding-DNA positions 4349 to 4352, 4 bases deleted (CTAG; older notation c.4349_4352delCTAG).
Protein change: p.Ser1450fs; shifts the reading frame from serine 1450.
Molecular consequence: frameshift variant.
Genome position (GRCh38, 1-based): chr16:89,282,190-89,282,193, CTAG deleted on the plus strand (CTAG on the coding strand, the reverse complement: ANKRD11 is on the minus strand). VCF-style (leftmost placement, unchanged base first): chr16-89282189-ACTAG-A. GRCh37 (hg19) VCF-style: chr16-89348597-ACTAG-A.
Other names: c.4349_4352del, p.Ser1450fs (NM_001256182.2, NM_001256183.2); short protein forms S1450fs.
Identifiers: ClinVar variation 3026914 (VCV003026914.22), dbSNP rs2544233197, ClinGen allele CA2740093468.